The following is an entry in ClinVar:

NM_000719.7(CACNA1C):c.2701A>G (p.Ile901Val)

Gene: CACNA1C (calcium voltage-gated channel subunit alpha1 C; plus strand). Cytogenetic location: 12p13.33.
Variant type: single nucleotide variant.
Coding change: c.2701A>G on transcript NM_000719.7 (MANE Select); coding-DNA position 2701, A replaced by G.
Protein change: p.Ile901Val; replaces isoleucine 901 with valine.
Molecular consequence: missense variant.
Genome position (GRCh38, 1-based): chr12:2,595,911, A>G. VCF-style: chr12-2595911-A-G. GRCh37 (hg19) VCF-style: chr12-2705077-A-G.
Other names: c.2701A>G, p.Ile901Val (NM_001129837.2, NM_001129838.2, NM_001129839.2 and 18 more transcripts); c.2692A>G, p.Ile898Val (NM_001129844.2); short protein forms I901V, I898V.
Identifiers: ClinVar variation 3647658 (VCV003647658.2).

ClinVar aggregate classification (germline): Uncertain significance (1 of 4 stars; one submission).

Conditions:
Long QT syndrome (LQTS). Identifiers: MedGen C0023976, MeSH D008133, MONDO:0002442. Disease mechanism: loss of function. Inheritance: Various modes of inheritance.

gnomAD v4.1: 1 of 1,613,628 alleles (0.000062%); highest among the groups gnomAD compares: Non-Finnish European, 0.000085%; no homozygotes.

Submission:

Labcorp Genetics (formerly Invitae), Labcorp
Classification: Uncertain significance for Long QT syndrome. Last evaluated: 2024-07-02. Review status: criteria provided, single submitter. Criteria: Invitae Variant Classification Sherloc (09022015). Collection method: clinical testing. Allele origin: germline.
Comment: This sequence change replaces isoleucine, which is neutral and non-polar, with valine, which is neutral and non-polar, at codon 901 of the CACNA1C protein (p.Ile901Val). This variant is not present in population databases (gnomAD no frequency). This variant has not been reported in the literature in individuals affected with CACNA1C-related conditions. Advanced modeling of protein sequence and biophysical properties (such as structural, functional, and spatial information, amino acid conservation, physicochemical variation, residue mobility, and thermodynamic stability) performed at Invitae indicates that this missense variant is not expected to disrupt CACNA1C protein function with a negative predictive value of 80%. In summary, the available evidence is currently insufficient to determine the role of this variant in disease. Therefore, it has been classified as a Variant of Uncertain Significance.